The following is an entry in ClinVar:

ClinVar aggregate classification (germline): Benign/Likely benign. Review status: criteria provided, multiple submitters, no conflicts (2 of 4 stars). 6 submissions from 6 submitters: Benign (4); Likely benign (2). Last evaluated 2026-01-27.

Conditions:
Cardiovascular phenotype. Identifiers: MedGen CN230736.

Allele frequency attached by ClinVar (database versions not stated): gnomAD exomes 0.00050 and 0.00087; ExAC 0.00118; gnomAD 0.00334 and 0.00356; ESP Exome Variant Server 0.00352; TOPMed 0.00368; 1000 Genomes Project 30x 0.00515; 1000 Genomes Project 0.00579.
gnomAD v4.1: 1,269 of 1,613,326 alleles (0.079%); highest among the groups gnomAD compares: African/African-American, 1.2%; 10 homozygotes.

Submissions (6):

Labcorp Genetics (formerly Invitae), Labcorp
Classification: Benign. Last evaluated: 2026-01-27. Review status: criteria provided, single submitter. Criteria: Invitae Variant Classification Sherloc (09022015). Collection method: clinical testing. Allele origin: germline.

Molecular Diagnostic Laboratory for Inherited Cardiovascular Disease, Montreal Heart Institute
Classification: Benign. Last evaluated: 2025-04-09. Review status: criteria provided, single submitter. Criteria: ACMG Guidelines, 2015. Collection method: clinical testing. Allele origin: germline. Affected: no.

Blueprint Genetics
Classification: Likely benign. Last evaluated: 2024-11-08. Review status: criteria provided, single submitter. Criteria: ACMG Guidelines, 2015. Collection method: clinical testing. Allele origin: germline.

CeGaT Center for Human Genetics Tuebingen
Classification: Benign. Last evaluated: 2023-12-01. Review status: criteria provided, single submitter. Criteria: CeGaT Center For Human Genetics Tuebingen Variant Classification Criteria Version 2. Collection method: clinical testing. Allele origin: germline. Affected: yes. Observed: 1 variant allele.
Comment: LMF1: BS1, BS2

Ambry Genetics
Classification: Likely benign for Cardiovascular phenotype. Last evaluated: 2019-09-28. Review status: criteria provided, single submitter. Criteria: Ambry Variant Classification Scheme 2023. Collection method: clinical testing. Allele origin: germline.

Breakthrough Genomics
Classification: Benign. Review status: criteria provided, single submitter. Criteria: ACMG Guidelines, 2015. Collection method: not provided. Allele origin: germline. Inheritance: Autosomal recessive inheritance. Affected: yes.

NM_022773.4(LMF1):c.1362C>T (p.Leu454=)

Gene: LMF1 (lipase maturation factor 1; minus strand). Cytogenetic location: 16p13.3.
Variant type: single nucleotide variant.
Coding change: c.1362C>T on transcript NM_022773.4 (MANE Select); coding-DNA position 1362, C replaced by T.
Protein change: p.Leu454=; no amino-acid change (leucine 454 retained).
Molecular consequence: synonymous variant. On other transcripts: non-coding transcript variant (1), intron variant (1).
Genome position (GRCh38, 1-based): chr16:869,937, G>A on the plus strand (C>T on the coding strand, the complement: LMF1 is on the minus strand). VCF-style: chr16-869937-G-A. GRCh37 (hg19) VCF-style: chr16-919937-G-A.
Other names: c.711C>T, p.Leu237= (NM_001352017.2, NM_001352021.2); c.963C>T, p.Leu321= (NM_001352018.2); c.1035C>T, p.Leu345= (NM_001352019.2); c.1336+26C>T (NM_001352020.1); c.1362C>T (NM_022773.3).
Identifiers: ClinVar variation 785517 (VCV000785517.37), dbSNP rs116726395, ClinGen allele CA7797059.